The following is an entry in ClinVar:

NM_017534.6(MYH2):c.2442-12A>G

Genes: MYH2 (myosin heavy chain 2; minus strand), MYHAS (myosin heavy chain gene cluster antisense RNA; plus strand). Cytogenetic location: 17p13.1.
Variant type: single nucleotide variant.
Coding change: c.2442-12A>G on transcript NM_017534.6 (MANE Select); 12 bases into the intron before coding-DNA position 2442, A replaced by G.
Molecular consequence: intron variant.
Genome position (GRCh38, 1-based): chr17:10,531,900, T>C on the plus strand (A>G on the coding strand, the complement: MYH2 is on the minus strand). VCF-style: chr17-10531900-T-C. GRCh37 (hg19) VCF-style: chr17-10435217-T-C.
Other names: c.2442-12A>G (NM_001100112.2).
Identifiers: ClinVar variation 2079756 (VCV002079756.6), dbSNP rs1450299028, ClinGen allele CA625089480.
Genomic context (GRCh38, chr17:10,531,900, plus strand): 5'-GACATTCATGAAGGATCTGATATTGTACTGGATACAGAAGATGGCCTCCCTGAAATTTAA[T>C]TGATGCAAATTAGTATTGTGTGGTTGATGCAATGGGATGAAACCTTGGCAGTGAGAGTTG-3'

ClinVar aggregate classification (germline): Uncertain significance. Review status: criteria provided, multiple submitters, no conflicts (2 of 4 stars). 2 submissions from 2 submitters: Uncertain significance (2). Last evaluated 2025-11-21.

Conditions:
Myopathy, proximal, and ophthalmoplegia (CMYO6). Also called: INCLUSION BODY MYOPATHY 3, AUTOSOMAL DOMINANT; CONGENITAL MYOPATHY 6 WITH OPHTHALMOPLEGIA; MYOPATHY WITH CONGENITAL JOINT CONTRACTURES, OPHTHALMOPLEGIA, AND RIMMED VACUOLES. Identifiers: Orphanet 363677, Orphanet 79091, MedGen C1854106, MONDO:0011577, OMIM 605637.

Allele frequency attached by ClinVar (database versions not stated): gnomAD exomes 0.00001; TOPMed 0.00002; gnomAD 0.00003.
gnomAD v4.1: 19 of 1,613,796 alleles (0.0012%); highest among the groups gnomAD compares: Admixed American, 0.0067%; no homozygotes.

Submissions (2):

GeneDx
Classification: Uncertain significance. Last evaluated: 2025-11-21. Review status: criteria provided, single submitter. Criteria: GeneDx Variant Classification Process June 2021. Collection method: clinical testing. Allele origin: germline.
Comment: Not observed at significant frequency in large population cohorts (gnomAD); In silico analysis supports a deleterious effect on splicing; Has not been previously published as pathogenic or benign to our knowledge

Labcorp Genetics (formerly Invitae), Labcorp
Classification: Uncertain significance for Myopathy, proximal, and ophthalmoplegia. Last evaluated: 2024-07-22. Review status: criteria provided, single submitter. Criteria: Invitae Variant Classification Sherloc (09022015). Collection method: clinical testing. Allele origin: germline.
Comment: This sequence change falls in intron 21 of the MYH2 gene. It does not directly change the encoded amino acid sequence of the MYH2 protein. This variant is present in population databases (no rsID available, gnomAD 0.004%). This variant has not been reported in the literature in individuals affected with MYH2-related conditions. ClinVar contains an entry for this variant (Variation ID: 2079756). Algorithms developed to predict the effect of sequence changes on RNA splicing suggest that this variant may disrupt the consensus splice site. In summary, the available evidence is currently insufficient to determine the role of this variant in disease. Therefore, it has been classified as a Variant of Uncertain Significance.